The following is an entry in ClinVar:

ClinVar aggregate classification (germline): Pathogenic/Likely pathogenic. Review status: criteria provided, multiple submitters, no conflicts (2 of 4 stars). 4 submissions from 4 submitters: Pathogenic (3); Likely pathogenic (1). Last evaluated 2024-04-09.

Conditions:
Hereditary cancer-predisposing syndrome. Also called: Neoplastic Syndromes, Hereditary; Hereditary neoplastic syndrome; Tumor predisposition; Hereditary Cancer Syndrome. Identifiers: Orphanet 140162, MedGen C0027672, MeSH D009386, MONDO:0015356.
Fanconi anemia complementation group J. Also called: BRIP1-Related Fanconi Anemia. Identifiers: Orphanet 84, MedGen C1836860, MONDO:0012187, OMIM 609054.
Familial cancer of breast. Also called: BREAST CANCER, FAMILIAL; hereditary breast carcinoma; Hereditary breast cancer. Identifiers: Orphanet 227535, MedGen C0346153, MONDO:0016419, OMIM 114480. Disease mechanism: loss of function.

Submissions (4):

Labcorp Genetics (formerly Invitae), Labcorp
Classification: Pathogenic for Familial cancer of breast; Fanconi anemia complementation group J. Last evaluated: 2024-04-09. Review status: criteria provided, single submitter. Criteria: Invitae Variant Classification Sherloc (09022015). Collection method: clinical testing. Allele origin: germline.
Comment: This sequence change creates a premature translational stop signal (p.Glu945*) in the BRIP1 gene. It is expected to result in an absent or disrupted protein product. Loss-of-function variants in BRIP1 are known to be pathogenic (PMID: 16116423, 17033622, 21964575). This variant is not present in population databases (gnomAD no frequency). This variant has not been reported in the literature in individuals affected with BRIP1-related conditions. ClinVar contains an entry for this variant (Variation ID: 1075663). For these reasons, this variant has been classified as Pathogenic.

Myriad Genetics, Inc.
Classification: Pathogenic for Familial cancer of breast. Last evaluated: 2023-06-07. Review status: criteria provided, single submitter. Criteria: Myriad Autosomal Dominant, Autosomal Recessive and X-Linked Classification Criteria (2023). Collection method: clinical testing. Allele origin: unknown.
Comment: This variant is considered pathogenic. This variant creates a termination codon and is predicted to result in premature protein truncation.

Ambry Genetics
Classification: Pathogenic for Hereditary cancer-predisposing syndrome. Last evaluated: 2022-11-30. Review status: criteria provided, single submitter. Criteria: Ambry Variant Classification Scheme 2023. Collection method: clinical testing. Allele origin: germline.
Comment: The p.E945* pathogenic mutation (also known as c.2833G>T), located in coding exon 18 of the BRIP1 gene, results from a G to T substitution at nucleotide position 2833. This changes the amino acid from a glutamic acid to a stop codon within coding exon 18. This variant is considered to be rare based on population cohorts in the Genome Aggregation Database (gnomAD). This alteration is expected to result in loss of function by premature protein truncation or nonsense-mediated mRNA decay. As such, this alteration is interpreted as a disease-causing mutation.

MGZ Medical Genetics Center
Classification: Likely pathogenic for Familial cancer of breast. Last evaluated: 2022-08-08. Review status: criteria provided, single submitter. Criteria: ACMG Guidelines, 2015. Collection method: clinical testing. Allele origin: germline. Affected: yes. Observed: 1 variant allele.
Comment: ACMG criteria applied: PVS1, PM2_SUP

Literature cited by the submitters: PubMed 16116423 (cited by Labcorp Genetics (formerly Invitae), Labcorp); PubMed 17033622 (cited by Labcorp Genetics (formerly Invitae), Labcorp); PubMed 21964575 (cited by Labcorp Genetics (formerly Invitae), Labcorp).

NM_032043.3(BRIP1):c.2833G>T (p.Glu945Ter)

Gene: BRIP1 (BRCA1 interacting DNA helicase 1; minus strand). Cytogenetic location: 17q23.2.
Variant type: single nucleotide variant.
Coding change: c.2833G>T on transcript NM_032043.3 (MANE Select); coding-DNA position 2833, G replaced by T.
Protein change: p.Glu945Ter; replaces glutamic acid 945 with a stop codon.
Molecular consequence: nonsense.
Genome position (GRCh38, 1-based): chr17:61,685,908, C>A on the plus strand (G>T on the coding strand, the complement: BRIP1 is on the minus strand). VCF-style: chr17-61685908-C-A. GRCh37 (hg19) VCF-style: chr17-59763269-C-A.
Other names: c.2833G>T (NM_032043.2); short protein forms E945*.
Identifiers: ClinVar variation 1075663 (VCV001075663.13), dbSNP rs863224802, ClinGen allele CA400481401.